The following is an entry in ClinVar:

ClinVar aggregate classification (germline): VUS-mid (1 of 4 stars; one submission).

Conditions:
Stüve-Wiedemann syndrome 1. Also called: STUVE-WIEDEMANN/SCHWARTZ-JAMPEL TYPE 2 SYNDROME. Identifiers: Orphanet 3206, MedGen C5676888, MONDO:0800043, OMIM 601559.

Submission:

Hacettepe Pediatric Genetics Laboratory, Hacettepe University
Classification: VUS-mid for Stüve-Wiedemann syndrome 1. Last evaluated: 2026-02-10. Review status: criteria provided, single submitter. Criteria: ACMG Guidelines, 2015. Collection method: clinical testing. Allele origin: germline. Inheritance: Autosomal recessive inheritance. Affected: yes. Observed: 1 variant allele, 1 homozygote.
Comment: The LIFR:c.890T>A (p.Val297Asp) missense variant was identified in the homozygous state. The variant is absent from the gnomAD population database. According to the ACMG variant interpretation guidelines, it meets the PM2 criterion and is therefore classified as a variant of uncertain significance (VUS).

NM_001127671.2(LIFR):c.890T>A (p.Val297Asp)

Gene: LIFR (LIF receptor subunit alpha; minus strand). Cytogenetic location: 5p13.1.
Variant type: single nucleotide variant.
Coding change: c.890T>A on transcript NM_001127671.2 (MANE Select); coding-DNA position 890, T replaced by A.
Protein change: p.Val297Asp; replaces valine 297 with aspartic acid.
Molecular consequence: missense variant.
Genome position (GRCh38, 1-based): chr5:38,510,565, A>T on the plus strand (T>A on the coding strand, the complement: LIFR is on the minus strand). VCF-style: chr5-38510565-A-T. GRCh37 (hg19) VCF-style: chr5-38510667-A-T.
Other names: p.Val297Asp; c.890T>A, p.Val297Asp (NM_001364297.2, NM_001364298.2, NM_002310.6); short protein forms V297D.
Identifiers: ClinVar variation 4814028 (VCV004814028.1).